The following is an entry in ClinVar:

NM_022114.4(PRDM16):c.2784C>G (p.His928Gln)

Gene: PRDM16 (PR/SET domain 16; plus strand). Cytogenetic location: 1p36.32.
Variant type: single nucleotide variant.
Coding change: c.2784C>G on transcript NM_022114.4 (MANE Select); coding-DNA position 2784, C replaced by G.
Protein change: p.His928Gln; replaces histidine 928 with glutamine.
Molecular consequence: missense variant.
Genome position (GRCh38, 1-based): chr1:3,417,920, C>G. VCF-style: chr1-3417920-C-G. GRCh37 (hg19) VCF-style: chr1-3334484-C-G.
Other names: c.2784C>G, p.His928Gln (NM_199454.3); short protein forms H928Q.
Identifiers: ClinVar variation 2507170 (VCV002507170.2), dbSNP rs377067594, ClinGen allele CA544603.

ClinVar aggregate classification (germline): Uncertain significance. Review status: criteria provided, multiple submitters, no conflicts (2 of 4 stars). 2 submissions from 2 submitters: Uncertain significance (2). Last evaluated 2023-12-21.

Submissions (2):

Blueprint Genetics
Classification: Uncertain significance. Last evaluated: 2023-12-21. Review status: criteria provided, single submitter. Criteria: ACMG Guidelines, 2015. Collection method: clinical testing. Allele origin: germline.

GeneDx
Classification: Uncertain significance. Last evaluated: 2022-12-27. Review status: criteria provided, single submitter. Criteria: GeneDx Variant Classification Process June 2021. Collection method: clinical testing. Allele origin: germline. Affected: yes.
Comment: Not observed at significant frequency in large population cohorts (gnomAD); In silico analysis supports that this missense variant does not alter protein structure/function; Has not been previously published as pathogenic or benign to our knowledge